The following is an entry in ClinVar:

NM_005618.4(DLL1):c.2032C>G (p.Pro678Ala)

Genes: DLL1 (delta like canonical Notch ligand 1; minus strand), LOC126859913 (P300/CBP strongly-dependent group 1 enhancer GRCh37_chr6:170591232-170592431; plus strand). Cytogenetic location: 6q27.
Variant type: single nucleotide variant.
Coding change: c.2032C>G on transcript NM_005618.4 (MANE Select); coding-DNA position 2032, C replaced by G.
Protein change: p.Pro678Ala; replaces proline 678 with alanine.
Molecular consequence: missense variant.
Genome position (GRCh38, 1-based): chr6:170,283,247, G>C on the plus strand (C>G on the coding strand, the complement: DLL1 is on the minus strand). VCF-style: chr6-170283247-G-C. GRCh37 (hg19) VCF-style: chr6-170592335-G-C.
Other names: short protein forms P678A.
Identifiers: ClinVar variation 3695424 (VCV003695424.2).

ClinVar aggregate classification (germline): Uncertain significance (1 of 4 stars; one submission).

Submission:

Labcorp Genetics (formerly Invitae), Labcorp
Classification: Uncertain significance. Last evaluated: 2024-10-13. Review status: criteria provided, single submitter. Criteria: Invitae Variant Classification Sherloc (09022015). Collection method: clinical testing. Allele origin: germline.
Comment: This sequence change replaces proline, which is neutral and non-polar, with alanine, which is neutral and non-polar, at codon 678 of the DLL1 protein (p.Pro678Ala). This variant is not present in population databases (gnomAD no frequency). This variant has not been reported in the literature in individuals affected with DLL1-related conditions. An algorithm developed to predict the effect of missense changes on protein structure and function outputs the following: PolyPhen-2: "Benign". The alanine amino acid residue is found in multiple mammalian species, which suggests that this missense change does not adversely affect protein function. In summary, the available evidence is currently insufficient to determine the role of this variant in disease. Therefore, it has been classified as a Variant of Uncertain Significance.